The following is an entry in ClinVar:

NM_000478.6(ALPL):c.1465T>C (p.Cys489Arg)

Gene: ALPL (alkaline phosphatase, biomineralization associated; plus strand). Cytogenetic location: 1p36.12.
Variant type: single nucleotide variant.
Coding change: c.1465T>C on transcript NM_000478.6 (MANE Select); coding-DNA position 1465, T replaced by C.
Protein change: p.Cys489Arg; replaces cysteine 489 with arginine.
Molecular consequence: missense variant.
Genome position (GRCh38, 1-based): chr1:21,577,538, T>C. VCF-style: chr1-21577538-T-C. GRCh37 (hg19) VCF-style: chr1-21904031-T-C.
Other names: c.1465T>C, p.Cys489Arg (NM_001369805.2, NM_001369803.2, NM_001369804.2); c.1300T>C, p.Cys434Arg (NM_001127501.4); c.1234T>C, p.Cys412Arg (NM_001177520.3); short protein forms C412R, C434R, C489R.
Identifiers: ClinVar variation 3699862 (VCV003699862.2).

ClinVar aggregate classification (germline): Uncertain significance (1 of 4 stars; one submission).

Submission:

Labcorp Genetics (formerly Invitae), Labcorp
Classification: Uncertain significance. Last evaluated: 2024-04-15. Review status: criteria provided, single submitter. Criteria: Invitae Variant Classification Sherloc (09022015). Collection method: clinical testing. Allele origin: germline.
Comment: This sequence change replaces cysteine, which is neutral and slightly polar, with arginine, which is basic and polar, at codon 489 of the ALPL protein (p.Cys489Arg). This variant is not present in population databases (gnomAD no frequency). This variant has not been reported in the literature in individuals affected with ALPL-related conditions. Advanced modeling of protein sequence and biophysical properties (such as structural, functional, and spatial information, amino acid conservation, physicochemical variation, residue mobility, and thermodynamic stability) performed at Invitae indicates that this missense variant is expected to disrupt ALPL protein function with a positive predictive value of 95%. In summary, the available evidence is currently insufficient to determine the role of this variant in disease. Therefore, it has been classified as a Variant of Uncertain Significance.